The following is an entry in ClinVar:

NM_000540.3(RYR1):c.6797-7C>T

Gene: RYR1 (ryanodine receptor 1; plus strand). Cytogenetic location: 19q13.2.
Variant type: single nucleotide variant.
Coding change: c.6797-7C>T on transcript NM_000540.3 (MANE Select); 7 bases into the intron before coding-DNA position 6797, C replaced by T.
Molecular consequence: intron variant.
Genome position (GRCh38, 1-based): chr19:38,496,853, C>T. VCF-style: chr19-38496853-C-T. GRCh37 (hg19) VCF-style: chr19-38987493-C-T.
Other names: c.6797-7C>T (NM_001042723.2).
Identifiers: ClinVar variation 808551 (VCV000808551.22), dbSNP rs994688451, ClinGen allele CA308104909.

ClinVar aggregate classification (germline): Likely benign. Review status: criteria provided, multiple submitters, no conflicts (2 of 4 stars). 3 submissions from 3 submitters: Likely benign (3). Last evaluated 2025-04-30.

Conditions:
RYR1-related disorder. Also called: RYR1-related condition; RYR1-related disorders. Identifiers: MedGen CN239331.
Malignant hyperthermia, susceptibility to, 1 (MHS1). Also called: Malignant hyperthermia suceptibility 1; Anesthesia related hyperthermia; Malignant hyperpyrexia; Fulminating hyperpyrexia; Pharmacogenic myopathy; RYR1-Related Malignant Hyperthermia Susceptibility. Identifiers: Orphanet 423, MedGen C2930980, MONDO:0007783, OMIM 145600.

Allele frequency attached by ClinVar (database versions not stated): gnomAD 0.00001; gnomAD exomes 0.00001; TOPMed 0.00001.
gnomAD v4.1: 11 of 1,612,378 alleles (0.00068%); highest among the groups gnomAD compares: Middle Eastern, 0.033%; no homozygotes.

Submissions (3):

Women's Health and Genetics/Laboratory Corporation of America, LabCorp
Classification: Likely benign. Last evaluated: 2025-04-30. Review status: criteria provided, single submitter. Criteria: LabCorp Variant Classification Summary - May 2015. Collection method: clinical testing. Allele origin: germline.

All of Us Research Program, National Institutes of Health
Classification: Likely benign for Malignant hyperthermia, susceptibility to, 1. Last evaluated: 2023-11-30. Review status: criteria provided, single submitter. Criteria: ACMG Guidelines, 2015. Collection method: clinical testing. Allele origin: germline. Inheritance: Autosomal dominant inheritance. Observed: 5 variant alleles, 5 heterozygotes.
Comment: This study involves interpretation of variants in research participants for the purpose of population health screening. Participant phenotype was not available at the time of variant classification. Additional details can be found in publication PMID: 35346344, PMCID: PMC8962531

Labcorp Genetics (formerly Invitae), Labcorp
Classification: Likely benign for RYR1-related disorder. Last evaluated: 2023-08-18. Review status: criteria provided, single submitter. Criteria: Invitae Variant Classification Sherloc (09022015). Collection method: clinical testing. Allele origin: germline.